The following is an entry in ClinVar:

ClinVar aggregate classification (germline): Uncertain significance. Review status: criteria provided, multiple submitters, no conflicts (2 of 4 stars). 2 submissions from 2 submitters: Uncertain significance (2). Last evaluated 2025-02-09.

Submissions (2):

Ambry Genetics
Classification: Uncertain significance. Last evaluated: 2025-02-09. Review status: criteria provided, single submitter. Criteria: Ambry Variant Classification Scheme 2023. Collection method: clinical testing. Allele origin: germline.

Labcorp Genetics (formerly Invitae), Labcorp
Classification: Uncertain significance. Last evaluated: 2024-02-17. Review status: criteria provided, single submitter. Criteria: Invitae Variant Classification Sherloc (09022015). Collection method: clinical testing. Allele origin: germline.
Comment: This sequence change replaces methionine, which is neutral and non-polar, with isoleucine, which is neutral and non-polar, at codon 1617 of the NIN protein (p.Met1617Ile). This variant is present in population databases (rs771365514, gnomAD 0.003%). This variant has not been reported in the literature in individuals affected with NIN-related conditions. Algorithms developed to predict the effect of missense changes on protein structure and function output the following: SIFT: "Not Available"; PolyPhen-2: "Benign"; Align-GVGD: "Not Available". The isoleucine amino acid residue is found in multiple mammalian species, which suggests that this missense change does not adversely affect protein function. In summary, the available evidence is currently insufficient to determine the role of this variant in disease. Therefore, it has been classified as a Variant of Uncertain Significance.

NM_020921.4(NIN):c.4851G>T (p.Met1617Ile)

Gene: NIN (ninein; minus strand). Cytogenetic location: 14q22.1.
Variant type: single nucleotide variant.
Coding change: c.4851G>T on transcript NM_020921.4 (MANE Select); coding-DNA position 4851, G replaced by T.
Protein change: p.Met1617Ile; replaces methionine 1617 with isoleucine.
Molecular consequence: missense variant.
Genome position (GRCh38, 1-based): chr14:50,752,617, C>A on the plus strand (G>T on the coding strand, the complement: NIN is on the minus strand). VCF-style: chr14-50752617-C-A. GRCh37 (hg19) VCF-style: chr14-51219335-C-A.
Other names: c.2712G>T, p.Met904Ile (NM_016350.5); c.4851G>T, p.Met1617Ile (NM_182944.3, NM_182946.2); c.4851G>T (NM_020921.3); short protein forms M1617I, M904I.
Identifiers: ClinVar variation 3610476 (VCV003610476.3).